The following is an entry in ClinVar:

ClinVar aggregate classification (germline): Uncertain significance. Review status: criteria provided, multiple submitters, no conflicts (2 of 4 stars). 2 submissions from 2 submitters: Uncertain significance (2). Last evaluated 2025-12-26.

Allele frequency attached by ClinVar (database versions not stated): gnomAD 0.00001; gnomAD exomes 0.00001; ExAC 0.00003; TOPMed 0.00005.
gnomAD v4.1: 10 of 1,613,478 alleles (0.00062%); highest among the groups gnomAD compares: East Asian, 0.022%; no homozygotes.

Submissions (2):

Labcorp Genetics (formerly Invitae), Labcorp
Classification: Uncertain significance. Last evaluated: 2025-12-26. Review status: criteria provided, single submitter. Criteria: Invitae Variant Classification Sherloc (09022015). Collection method: clinical testing. Allele origin: germline.
Comment: This sequence change replaces proline, which is neutral and non-polar, with alanine, which is neutral and non-polar, at codon 237 of the MYLK3 protein (p.Pro237Ala). This variant is present in population databases (rs761554353, gnomAD 0.05%). This variant has not been reported in the literature in individuals affected with MYLK3-related conditions. ClinVar contains an entry for this variant (Variation ID: 2414867). An algorithm developed to predict the effect of missense changes on protein structure and function (PolyPhen-2) suggests that this variant is likely to be tolerated. In summary, the available evidence is currently insufficient to determine the role of this variant in disease. Therefore, it has been classified as a Variant of Uncertain Significance.

Ambry Genetics
Classification: Uncertain significance. Last evaluated: 2023-06-29. Review status: criteria provided, single submitter. Criteria: Ambry Variant Classification Scheme 2023. Collection method: clinical testing. Allele origin: germline.

NM_182493.3(MYLK3):c.709C>G (p.Pro237Ala)

Gene: MYLK3 (myosin light chain kinase 3; minus strand). Cytogenetic location: 16q11.2.
Variant type: single nucleotide variant.
Coding change: c.709C>G on transcript NM_182493.3 (MANE Select); coding-DNA position 709, C replaced by G.
Protein change: p.Pro237Ala; replaces proline 237 with alanine.
Molecular consequence: missense variant. On other transcripts: intron variant (1).
Genome position (GRCh38, 1-based): chr16:46,738,003, G>C on the plus strand (C>G on the coding strand, the complement: MYLK3 is on the minus strand). VCF-style: chr16-46738003-G-C. GRCh37 (hg19) VCF-style: chr16-46771915-G-C.
Other names: c.709C>G (NM_182493.2); c.-23+2054C>G (NM_001308301.1); short protein forms P237A.
Identifiers: ClinVar variation 2414867 (VCV002414867.8), dbSNP rs761554353, ClinGen allele CA8038156.